The following is an entry in ClinVar:

ClinVar aggregate classification (germline): Uncertain significance (1 of 4 stars; one submission).

Conditions:
Intellectual disability-hypotonic facies syndrome, X-linked, 1 (MRXHF1). Also called: HOLMES-GANG SYNDROME; XLMR-HYPOTONIC FACIES SYNDROME; X-linked intellectual disability-hypotonic face syndrome; Smith Fineman Myers syndrome 1; CHUDLEY-LOWRY SYNDROME; Chudley syndrome 1. Identifiers: Orphanet 73220, Orphanet 93970, Orphanet 93971, Orphanet 93972, Orphanet 93973, Orphanet 93974, Orphanet 93975, MedGen C4759781, MONDO:0010663, OMIM 309580.

Submission:

Laboratorio de Genetica e Diagnostico Molecular, Hospital Israelita Albert Einstein
Classification: Uncertain significance for Intellectual disability-hypotonic facies syndrome, X-linked, 1. Last evaluated: 2022-10-07. Review status: criteria provided, single submitter. Criteria: ACMG Guidelines, 2015. Collection method: clinical testing. Allele origin: germline. Affected: yes. Observed: 1 variant allele.
Comment: ACMG classification criteria: PM1 moderated, PM2 moderated, PP3 supporting

NM_000489.6(ATRX):c.6003G>C (p.Trp2001Cys)

Gene: ATRX (ATRX chromatin remodeler; minus strand). Cytogenetic location: Xq21.1.
Variant type: single nucleotide variant.
Coding change: c.6003G>C on transcript NM_000489.6 (MANE Select); coding-DNA position 6003, G replaced by C.
Protein change: p.Trp2001Cys; replaces tryptophan 2001 with cysteine.
Molecular consequence: missense variant.
Genome position (GRCh38, 1-based): chrX:77,593,803, C>G on the plus strand (G>C on the coding strand, the complement: ATRX is on the minus strand). VCF-style: chrX-77593803-C-G. GRCh37 (hg19) VCF-style: chrX-76849273-C-G.
Other names: c.5889G>C, p.Trp1963Cys (NM_138270.5); short protein forms W1963C, W2001C.
Identifiers: ClinVar variation 2431397 (VCV002431397.1), dbSNP rs1557082399, ClinGen allele CA413703124.